The following is an entry in ClinVar:

NM_007194.4(CHEK2):c.12G>T (p.Glu4Asp)

Gene: CHEK2 (checkpoint kinase 2; minus strand). Cytogenetic location: 22q12.1.
Variant type: single nucleotide variant.
Coding change: c.12G>T on transcript NM_007194.4 (MANE Select); coding-DNA position 12, G replaced by T.
Protein change: p.Glu4Asp; replaces glutamic acid 4 with aspartic acid.
Molecular consequence: missense variant.
Genome position (GRCh38, 1-based): chr22:28,734,710, C>A on the plus strand (G>T on the coding strand, the complement: CHEK2 is on the minus strand). VCF-style: chr22-28734710-C-A. GRCh37 (hg19) VCF-style: chr22-29130698-C-A.
Other names: c.12G>T, p.Glu4Asp (NM_001005735.3, NM_001349956.3, NM_145862.3); c.-766G>T (NM_001257387.3); short protein forms E4D.
Identifiers: ClinVar variation 2050052 (VCV002050052.4), dbSNP rs1213043094, ClinGen allele CA411092114.

ClinVar aggregate classification (germline): Uncertain significance (1 of 4 stars; one submission).

Conditions:
Familial cancer of breast. Also called: hereditary breast carcinoma; BREAST CANCER, FAMILIAL; Hereditary breast cancer. Identifiers: Orphanet 227535, MedGen C0346153, MONDO:0016419, OMIM 114480. Disease mechanism: loss of function.

gnomAD v4.1: 1 of 1,613,552 alleles (0.000062%); highest among the groups gnomAD compares: Admixed American, 0.0017%; no homozygotes.

Submission:

Labcorp Genetics (formerly Invitae), Labcorp
Classification: Uncertain significance for Familial cancer of breast. Last evaluated: 2021-12-20. Review status: criteria provided, single submitter. Criteria: Invitae Variant Classification Sherloc (09022015). Collection method: clinical testing. Allele origin: germline.
Comment: This sequence change replaces glutamic acid, which is acidic and polar, with aspartic acid, which is acidic and polar, at codon 4 of the CHEK2 protein (p.Glu4Asp). This variant is present in population databases (no rsID available, gnomAD 0.003%). This variant has not been reported in the literature in individuals affected with CHEK2-related conditions. Algorithms developed to predict the effect of missense changes on protein structure and function (SIFT, PolyPhen-2, Align-GVGD) all suggest that this variant is likely to be tolerated. In summary, the available evidence is currently insufficient to determine the role of this variant in disease. Therefore, it has been classified as a Variant of Uncertain Significance.